The following is an entry in ClinVar:

ClinVar aggregate classification (germline): Pathogenic. Review status: criteria provided, multiple submitters, no conflicts (2 of 4 stars). 7 submissions from 7 submitters: Pathogenic (7). Last evaluated 2026-10-20.

Conditions:
Neurofibromatosis, type 1 (NF1). Also called: Peripheral type neurofibromatosis; NEUROFIBROMATOSIS, TYPE I, SOMATIC; VON RECKLINGHAUSEN DISEASE; Neurofibromatosis, type I. Identifiers: Orphanet 636, MedGen C0027831, MONDO:0018975, OMIM 162200. Disease mechanism: loss of function.
Hereditary cancer-predisposing syndrome. Also called: Hereditary neoplastic syndrome; Tumor predisposition; Hereditary Cancer Syndrome; Neoplastic Syndromes, Hereditary. Identifiers: Orphanet 140162, MedGen C0027672, MeSH D009386, MONDO:0015356.
Cardiovascular phenotype. Identifiers: MedGen CN230736.

Allele frequency attached by ClinVar (database versions not stated): gnomAD exomes below 0.00001; ExAC 0.00001; gnomAD 0.00001; TOPMed 0.00001.
gnomAD v4.1: 2 of 1,613,200 alleles (0.00012%); highest among the groups gnomAD compares: South Asian, 0.0011%; no homozygotes.

Submissions (7):

GeneDx
Classification: Pathogenic. Last evaluated: 2026-10-20. Review status: criteria provided, single submitter. Criteria: GeneDx Variant Classification Process June 2021. Collection method: clinical testing. Allele origin: germline.
Comment: Published functional studies demonstrate a damaging effect: most show aberrant splicing resulting in skipping of the in-frame exon 45, with one study additionally showing transcripts demonstrating skipping of exons 45 and 46 as well as transcripts with normal splicing; of note, normally spliced transcripts include the nonsense (Y2264*) change, presumed to lead to premature termination (PMID: 16870183, 9385374, 10862084, 17311297); This variant is associated with the following publications: (PMID: 24789688, 17311297, 18503770, 9385374, 24676943, 28891274, 31370276, 22664653, 23668869, 22925204, 30530636, 29100083, 16479075, 26659639, 40169570, 24232412, 25525159, 16870183, 19142971, 10862084, 16944272, 29122587, 35122187, Park[CaseReport]2014, 36451132, 29625052, 37073110, 23913538, 38324470)

Labcorp Genetics (formerly Invitae), Labcorp
Classification: Pathogenic for Neurofibromatosis, type 1. Last evaluated: 2025-09-22. Review status: criteria provided, single submitter. Criteria: Invitae Variant Classification Sherloc (09022015). Collection method: clinical testing. Allele origin: germline.
Comment: This sequence change creates a premature translational stop signal (p.Tyr2264*) in the NF1 gene. RNA analysis indicates that this premature translational stop signal induces altered splicing and likely results in a shortened protein product. This variant is present in population databases (rs772295894, gnomAD 0.002%). This premature translational stop signal has been observed in individual(s) with neurofibromatosis type 1 (PMID: 9385374, 17311297, 23668869, 23913538, 24232412). In at least one individual the variant was observed to be de novo. Invitae Evidence Modeling of clinical and family history, age, sex, and reported ancestry of multiple individuals with this NF1 variant has been performed. This variant is expected to be pathogenic with a positive predictive value of at least 99%. This is a validated machine learning model that incorporates the clinical features of 1,785,918 individuals referred to our laboratory for NF1 testing. ClinVar contains an entry for this variant (Variation ID: 439973). Studies have shown that this premature translational stop signal results in skipping of exon 45, but is expected to preserve the integrity of the reading-frame (PMID: 9385374, 16870183, 22925204). For these reasons, this variant has been classified as Pathogenic.

Ambry Genetics
Classification: Pathogenic for Cardiovascular phenotype; Hereditary cancer-predisposing syndrome. Last evaluated: 2025-04-16. Review status: criteria provided, single submitter. Criteria: Ambry Variant Classification Scheme 2023. Collection method: clinical testing. Allele origin: germline.
Comment: The c.6792C>G pathogenic mutation (also known as p.Y2264*), located in coding exon 45 of the NF1 gene, results from a C to G substitution at nucleotide position 6792. This changes the amino acid from a tyrosine to a stop codon within coding exon 45. This mutation has been reported in multiple patients with clinical features of neurofibromatosis type 1 (Messiaen L et al. Hum Genet, 1997 Nov;101:75-80; Wimmer K et al. Hum Mutat, 2007 Jun;28:599-612; Ko JM et al. Pediatr Neurol, 2013 Jun;48:447-53; Stewart DR et al. Genet Med, 2014 Jun;16:448-59; Whitworth J et al. JAMA Oncol, 2016 Mar;2:373-9). In addition, this mutation was detected as de novo in individuals with neurofibromatosis type 1 or epileptic encephalopathy (Sabbagh A et al. Hum Mutat, 2013 Nov;34:1510-8; Hamdan FF et al. Am J Hum Genet, 2017 Nov;101:664-685; Wang X et al. Genes Chromosomes Cancer, 2018 01;57:19-27). This alteration is expected to result in loss of function by premature protein truncation or nonsense-mediated mRNA decay. However, multiple RNA studies have demonstrated that this mutation primarily disrupts exonic splicing enhancer, leading to skipping of exon 45 (Messiaen L et al. Hum Genet, 1997 Nov;101:75-80; Baralle M et al. FEBS Lett, 2006 Aug;580:4449-56; Hern&aacute;ndez-Imaz E et al. Clin Genet, 2013 May;83:462-6; Ambry internal data). Based on the supporting evidence, this alteration is interpreted as a disease-causing mutation.

CeGaT Center for Human Genetics Tuebingen
Classification: Pathogenic. Last evaluated: 2024-10-01. Review status: criteria provided, single submitter. Criteria: CeGaT Center For Human Genetics Tuebingen Variant Classification Criteria Version 2. Collection method: clinical testing. Allele origin: germline. Affected: yes. Observed: 1 variant allele.
Comment: NF1: PVS1, PM2, PS2:Moderate, PS4:Moderate, PS3:Supporting

Genome-Nilou Lab
Classification: Pathogenic for Neurofibromatosis, type 1. Last evaluated: 2022-03-15. Review status: criteria provided, single submitter. Criteria: ACMG Guidelines, 2015. Collection method: clinical testing. Allele origin: germline. Affected: no.

ARUP Laboratories, Molecular Genetics and Genomics, ARUP Laboratories
Classification: Pathogenic. Last evaluated: 2017-11-08. Review status: criteria provided, single submitter. Criteria: ARUP Molecular Germline Variant Investigation Process. Collection method: clinical testing. Allele origin: germline.

Center for Human Genetics, Inc
Classification: Pathogenic for Neurofibromatosis, type 1. Last evaluated: 2016-11-01. Review status: criteria provided, single submitter. Criteria: ACMG Guidelines, 2015. Collection method: clinical testing. Allele origin: germline. Affected: yes.

Literature cited by the submitters: PubMed 9385374 (cited by Labcorp Genetics (formerly Invitae), Labcorp and Ambry Genetics); PubMed 17311297 (cited by Labcorp Genetics (formerly Invitae), Labcorp and Ambry Genetics); PubMed 23668869 (cited by Labcorp Genetics (formerly Invitae), Labcorp and Ambry Genetics); PubMed 23913538 (cited by Labcorp Genetics (formerly Invitae), Labcorp and Ambry Genetics); PubMed 24232412 (cited by Labcorp Genetics (formerly Invitae), Labcorp and Ambry Genetics); PubMed 16870183 (cited by Labcorp Genetics (formerly Invitae), Labcorp and Ambry Genetics); PubMed 22925204 (cited by Labcorp Genetics (formerly Invitae), Labcorp and Ambry Genetics); PubMed 18503770 (cited by Ambry Genetics); PubMed 26659639 (cited by Ambry Genetics); PubMed 28891274 (cited by Ambry Genetics); PubMed 29100083 (cited by Ambry Genetics).

NM_001042492.3(NF1):c.6855C>G (p.Tyr2285Ter)

Gene: NF1 (neurofibromin 1; plus strand). Cytogenetic location: 17q11.2.
Variant type: single nucleotide variant.
Coding change: c.6855C>G on transcript NM_001042492.3 (MANE Select); coding-DNA position 6855, C replaced by G.
Protein change: p.Tyr2285Ter; replaces tyrosine 2285 with a stop codon.
Molecular consequence: nonsense.
Genome position (GRCh38, 1-based): chr17:31,338,739, C>G. VCF-style: chr17-31338739-C-G. GRCh37 (hg19) VCF-style: chr17-29665757-C-G.
Other names: c.6792C>G, p.Tyr2264Ter (NM_000267.4); short protein forms Y2264*, Y2285*.
Identifiers: ClinVar variation 439973 (VCV000439973.39), dbSNP rs772295894, ClinGen allele CA8487442.
Genomic context (GRCh38, chr17:31,338,739, plus strand): 5'-ATAAAAAATTCTGTTTTCCTAAAAGGCACTTGAGAGTTGCTTAAAAGGACCTGACACTTA[C>G]AACAGTCAAGTTCTGATAGAAGCTACAGTAATAGCACTAACCAAATTACAGCCACTTCTT-3'